The following is an entry in ClinVar:

ClinVar aggregate classification (germline): Uncertain significance (1 of 4 stars; one submission).

Conditions:
Inborn genetic diseases. Identifiers: MedGen C0950123, MeSH D030342.

Allele frequency attached by ClinVar (database versions not stated): gnomAD exomes 0.00001.
gnomAD v4.1: 3 of 1,613,966 alleles (0.00019%); highest among the groups gnomAD compares: South Asian, 0.0033%; no homozygotes.

Submission:

Ambry Genetics
Classification: Uncertain significance for Inborn genetic diseases. Last evaluated: 2024-02-10. Review status: criteria provided, single submitter. Criteria: Ambry Variant Classification Scheme 2023. Collection method: clinical testing. Allele origin: germline.
Comment: The p.R548S variant (also known as c.1644A>T), located in coding exon 7 of the ATR gene, results from an A to T substitution at nucleotide position 1644. The arginine at codon 548 is replaced by serine, an amino acid with dissimilar properties. This amino acid position is conserved. In addition, this alteration is predicted to be tolerated by in silico analysis. Based on the available evidence, the clinical significance of this alteration remains unclear.

NM_001184.4(ATR):c.1644A>T (p.Arg548Ser)

Gene: ATR (ATR checkpoint kinase; minus strand). Cytogenetic location: 3q23.
Variant type: single nucleotide variant.
Coding change: c.1644A>T on transcript NM_001184.4 (MANE Select); coding-DNA position 1644, A replaced by T.
Protein change: p.Arg548Ser; replaces arginine 548 with serine.
Molecular consequence: missense variant.
Genome position (GRCh38, 1-based): chr3:142,559,339, T>A on the plus strand (A>T on the coding strand, the complement: ATR is on the minus strand). VCF-style: chr3-142559339-T-A. GRCh37 (hg19) VCF-style: chr3-142278181-T-A.
Other names: c.1452A>T, p.Arg484Ser (NM_001354579.2); short protein forms R484S, R548S.
Identifiers: ClinVar variation 3221058 (VCV003221058.1), dbSNP rs1295972483, ClinGen allele CA354822140.